The following is an entry in ClinVar:

ClinVar aggregate classification (germline): Conflicting classifications of pathogenicity. Review status: criteria provided, conflicting classifications (1 of 4 stars). 3 submissions from 3 submitters: Likely pathogenic (2); Uncertain significance (1). Last evaluated 2024-11-20.

Conditions:
Hereditary cancer-predisposing syndrome. Also called: Hereditary neoplastic syndrome; Neoplastic Syndromes, Hereditary; Tumor predisposition; Hereditary Cancer Syndrome. Identifiers: Orphanet 140162, MedGen C0027672, MeSH D009386, MONDO:0015356.
Microcephaly, normal intelligence and immunodeficiency (NBS). Also called: IMMUNODEFICIENCY, MICROCEPHALY, AND CHROMOSOMAL INSTABILITY; SEEMANOVA SYNDROME II; Nijmegen breakage syndrome; Microcephaly with normal intelligence immunodeficiency and lymphoreticular malignancies; Nonsyndromal microcephaly autosomal recessive with normal intelligence; Seemanova syndrome 2. Identifiers: Orphanet 647, MedGen C0398791, MONDO:0009623, OMIM 251260.
Aplastic anemia. Identifiers: Orphanet 182040, Orphanet 88, MedGen C0002874, MONDO:0015909, OMIM 609135, HP:0001915.
Acute lymphoid leukemia (ALL). Also called: Acute lymphoblastic leukemia; Acute lymphocytic leukemia; Leukemia, acute lymphoblastic, somatic; Lymphoblastic leukemia. Identifiers: Orphanet 513, MedGen C0023449, MONDO:0004967, OMIM 613065, HP:0006721.

Submissions (3):

Ambry Genetics
Classification: Uncertain significance for Hereditary cancer-predisposing syndrome. Last evaluated: 2024-11-20. Review status: criteria provided, single submitter. Criteria: Ambry Variant Classification Scheme 2023. Collection method: clinical testing. Allele origin: germline.
Comment: The p.Q732* variant (also known as c.2194C>T), located in coding exon 15 of the NBN gene, results from a C to T substitution at nucleotide position 2194. This changes the amino acid from a glutamine to a stop codon within coding exon 15. This alteration occurs at the 3' terminus of theNBN gene, is not expected to trigger nonsense-mediated mRNAdecay, and only impacts the last 23 amino acids of the protein. This alteration is expected to disrupt the C-terminus of the NBN protein which has been shown to be necessary for binding to the ATM protein (Falck J et al. Nature 2005 Mar;434:605-11); however, the exact functional impact of this particular alteration is unknown at this time. Since supporting evidence is limited at this time, the clinical significance of this alteration remains unclear.

Fulgent Genetics
Classification: Likely pathogenic for Microcephaly, normal intelligence and immunodeficiency; Aplastic anemia; Acute lymphoid leukemia. Last evaluated: 2024-05-11. Review status: criteria provided, single submitter. Criteria: ACMG Guidelines, 2015. Collection method: clinical testing. Allele origin: germline.

Labcorp Genetics (formerly Invitae), Labcorp
Classification: Likely pathogenic for Microcephaly, normal intelligence and immunodeficiency. Last evaluated: 2021-12-08. Review status: criteria provided, single submitter. Criteria: Invitae Variant Classification Sherloc (09022015). Collection method: clinical testing. Allele origin: germline.
Comment: This sequence change creates a premature translational stop signal (p.Gln732*) in the NBN gene. While this is not anticipated to result in nonsense mediated decay, it is expected to disrupt the last 23 amino acid(s) of the NBN protein. This variant is not present in population databases (gnomAD no frequency). This variant has not been reported in the literature in individuals affected with NBN-related conditions. ClinVar contains an entry for this variant (Variation ID: 461545). This variant disrupts the ATM interaction domain of the NBN protein (PMID: 24894818, 21035407), which is important for activating ATM in the double-strand break repair pathway (PMID: 15964794, 15048089). While functional studies have not been performed to directly test the effect of this variant on NBN protein function, this suggests that disruption of this region of the protein is causative of disease. In summary, the currently available evidence indicates that the variant is pathogenic, but additional data are needed to prove that conclusively. Therefore, this variant has been classified as Likely Pathogenic.

Literature cited by the submitters: PubMed 24894818 (cited by Labcorp Genetics (formerly Invitae), Labcorp); PubMed 21035407 (cited by Labcorp Genetics (formerly Invitae), Labcorp); PubMed 15964794 (cited by Labcorp Genetics (formerly Invitae), Labcorp); PubMed 15048089 (cited by Labcorp Genetics (formerly Invitae), Labcorp).

NM_002485.5(NBN):c.2194C>T (p.Gln732Ter)

Gene: NBN (nibrin; minus strand). Cytogenetic location: 8q21.3.
Variant type: single nucleotide variant.
Coding change: c.2194C>T on transcript NM_002485.5 (MANE Select); coding-DNA position 2194, C replaced by T.
Protein change: p.Gln732Ter; replaces glutamine 732 with a stop codon.
Molecular consequence: nonsense.
Genome position (GRCh38, 1-based): chr8:89,937,066, G>A on the plus strand (C>T on the coding strand, the complement: NBN is on the minus strand). VCF-style: chr8-89937066-G-A. GRCh37 (hg19) VCF-style: chr8-90949294-G-A.
Other names: c.1948C>T, p.Gln650Ter (NM_001024688.3); short protein forms Q732*, Q650*.
Identifiers: ClinVar variation 461545 (VCV000461545.11), dbSNP rs1554554265, ClinGen allele CA371674821.